The following is an entry in ClinVar:

ClinVar aggregate classification (germline): Uncertain significance (1 of 4 stars; one submission).

Conditions:
Werner syndrome (WRN). Identifiers: Orphanet 902, MedGen C0043119, MONDO:0010196, OMIM 277700.

Allele frequency attached by ClinVar (database versions not stated): gnomAD exomes below 0.00001; ExAC 0.00001; ESP Exome Variant Server 0.00008.
gnomAD v4.1: 1 of 1,613,110 alleles (0.000062%); highest among the groups gnomAD compares: Non-Finnish European, 0.000085%; no homozygotes.

Submission:

Labcorp Genetics (formerly Invitae), Labcorp
Classification: Uncertain significance for Werner syndrome. Last evaluated: 2022-12-15. Review status: criteria provided, single submitter. Criteria: Invitae Variant Classification Sherloc (09022015). Collection method: clinical testing. Allele origin: germline.
Comment: This variant has not been reported in the literature in individuals affected with WRN-related conditions. In summary, the available evidence is currently insufficient to determine the role of this variant in disease. Therefore, it has been classified as a Variant of Uncertain Significance. Algorithms developed to predict the effect of missense changes on protein structure and function are either unavailable or do not agree on the potential impact of this missense change (SIFT: "Not Available"; PolyPhen-2: "Probably Damaging"; Align-GVGD: "Not Available"). This variant is present in population databases (rs374514457, gnomAD 0.0009%). This sequence change replaces serine, which is neutral and polar, with proline, which is neutral and non-polar, at codon 596 of the WRN protein (p.Ser596Pro).

NM_000553.6(WRN):c.1786T>C (p.Ser596Pro)

Gene: WRN (WRN RecQ like helicase; plus strand). Cytogenetic location: 8p12.
Variant type: single nucleotide variant.
Coding change: c.1786T>C on transcript NM_000553.6 (MANE Select); coding-DNA position 1786, T replaced by C.
Protein change: p.Ser596Pro; replaces serine 596 with proline.
Molecular consequence: missense variant.
Genome position (GRCh38, 1-based): chr8:31,090,899, T>C. VCF-style: chr8-31090899-T-C. GRCh37 (hg19) VCF-style: chr8-30948415-T-C.
Other names: short protein forms S596P.
Identifiers: ClinVar variation 2780490 (VCV002780490.3), dbSNP rs374514457, ClinGen allele CA4704485.